The following is an entry in ClinVar:

ClinVar aggregate classification (germline): Uncertain significance. Review status: criteria provided, multiple submitters, no conflicts (2 of 4 stars). 2 submissions from 2 submitters: Uncertain significance (2). Last evaluated 2025-10-31.

Conditions:
Teebi hypertelorism syndrome 1. Identifiers: Orphanet 1519, MedGen CN306405, MONDO:0800025, OMIM 145420.
Oculomaxillofacial dysostosis (OBLFC1). Also called: OCULOMAXILLOFACIAL DYSPLASIA WITH OBLIQUE FACIAL CLEFTS. Identifiers: Orphanet 141258, Orphanet 1794, MedGen C1838348, MONDO:0015824, OMIM 600251.

gnomAD v4.1: 14 of 1,614,138 alleles (0.00087%); highest among the groups gnomAD compares: African/African-American, 0.0013%; no homozygotes.

Submissions (2):

Dasa
Classification: Uncertain significance. Last evaluated: 2025-10-31. Review status: criteria provided, single submitter. Criteria: DASA Assertion Criteria. Collection method: clinical testing. Allele origin: germline.
Comment: NM_015330.6(SPECC1L):c.523A>G (p.Ile175Val) is a missense variant that results in the substitution of isoleucine with valine. This variant is rare in population databases. Computational prediction algorithms are consistent with a benign effect. The currently available literature and clinical evidence are not sufficient to establish a definitive association between this variant and the reported condition. Therefore, this variant is classified as a variant of uncertain significance.

Department of Pathology and Laboratory Medicine, Sinai Health System
Classification: Uncertain significance for Teebi hypertelorism syndrome 1; Oculomaxillofacial dysostosis. Last evaluated: 2023-02-24. Review status: criteria provided, single submitter. Criteria: ACMG Guidelines, 2015. Collection method: research. Allele origin: germline.

NM_015330.6(SPECC1L):c.523A>G (p.Ile175Val)

Genes: SPECC1L (sperm antigen with calponin homology and coiled-coil domains 1 like; plus strand), SPECC1L-ADORA2A (SPECC1L-ADORA2A readthrough (NMD candidate); plus strand). Cytogenetic location: 22q11.23.
Variant type: single nucleotide variant.
Coding change: c.523A>G on transcript NM_015330.6 (MANE Select); coding-DNA position 523, A replaced by G.
Protein change: p.Ile175Val; replaces isoleucine 175 with valine.
Molecular consequence: missense variant. On other transcripts: non-coding transcript variant (1).
Genome position (GRCh38, 1-based): chr22:24,321,503, A>G. VCF-style: chr22-24321503-A-G. GRCh37 (hg19) VCF-style: chr22-24717471-A-G.
Other names: c.523A>G, p.Ile175Val (NM_001145468.4, NM_001254732.3); short protein forms I175V.
Identifiers: ClinVar variation 3892535 (VCV003892535.3).